The following is an entry in ClinVar:

ClinVar aggregate classification (germline): Uncertain significance (1 of 4 stars; one submission).

Conditions:
Cystic fibrosis (CF). Also called: MUCOVISCIDOSIS. Identifiers: Orphanet 586, MedGen C0010674, MONDO:0009061, OMIM 219700. Disease mechanism: loss of function.

Submission:

Ambry Genetics
Classification: Uncertain significance for Cystic fibrosis. Last evaluated: 2025-09-01. Review status: criteria provided, single submitter. Criteria: Ambry Variant Classification Scheme 2023. Collection method: clinical testing. Allele origin: germline.
Comment: The p.V171A variant (also known as c.512T>C), located in coding exon 5 of the CFTR gene, results from a T to C substitution at nucleotide position 512. The valine at codon 171 is replaced by alanine, an amino acid with similar properties. This amino acid position is conserved. In addition, this alteration is predicted to be deleterious by in silico analysis. Based on the available evidence, the clinical significance of this variant remains unclear.

NM_000492.4(CFTR):c.512T>C (p.Val171Ala)

Gene: CFTR (CF transmembrane conductance regulator; plus strand). Cytogenetic location: 7q31.2.
Variant type: single nucleotide variant.
Coding change: c.512T>C on transcript NM_000492.4 (MANE Select); coding-DNA position 512, T replaced by C.
Protein change: p.Val171Ala; replaces valine 171 with alanine.
Molecular consequence: missense variant.
Genome position (GRCh38, 1-based): chr7:117,534,298, T>C. VCF-style: chr7-117534298-T-C. GRCh37 (hg19) VCF-style: chr7-117174352-T-C.
Other names: short protein forms V171A.
Identifiers: ClinVar variation 4227446 (VCV004227446.1).
Genomic context (GRCh38, chr7:117,534,298, plus strand): 5'-GTTTGTTGAAATTATCTAACTTTCCATTTTTCTTTTAGACTTTAAAGCTGTCAAGCCGTG[T>C]TCTAGATAAAATAAGTATTGGACAACTTGTTAGTCTCCTTTCCAACAACCTGAACAAATT-3'
Protein context (NP_000483.3, residues 161-181): YKKTLKLSSR[Val171Ala]LDKISIGQLV